The following is an entry in ClinVar:

NM_002878.4(RAD51D):c.777G>C (p.Arg259Ser)

Genes: RAD51D (RAD51 paralog D; minus strand), RAD51L3-RFFL (RAD51L3-RFFL readthrough; minus strand). Cytogenetic location: 17q12.
Variant type: single nucleotide variant.
Coding change: c.777G>C on transcript NM_002878.4 (MANE Select); coding-DNA position 777, G replaced by C.
Protein change: p.Arg259Ser; replaces arginine 259 with serine.
Molecular consequence: missense variant. On other transcripts: non-coding transcript variant (3).
Genome position (GRCh38, 1-based): chr17:35,101,327, C>G on the plus strand (G>C on the coding strand, the complement: RAD51D is on the minus strand). VCF-style: chr17-35101327-C-G. GRCh37 (hg19) VCF-style: chr17-33428346-C-G.
Other names: c.837G>C, p.Arg279Ser (NM_001142571.2); c.441G>C, p.Arg147Ser (NM_133629.3); short protein forms R259S, R147S, R279S.
Identifiers: ClinVar variation 4744806 (VCV004744806.1).

ClinVar aggregate classification (germline): Uncertain significance (1 of 4 stars; one submission).

Conditions:
Breast-ovarian cancer, familial, susceptibility to, 4. Identifiers: Orphanet 145, MedGen C3280345, MONDO:0013669, OMIM 614291.

Submission:

Labcorp Genetics (formerly Invitae), Labcorp
Classification: Uncertain significance for Breast-ovarian cancer, familial, susceptibility to, 4. Last evaluated: 2025-10-05. Review status: criteria provided, single submitter. Criteria: Invitae Variant Classification Sherloc (09022015). Collection method: clinical testing. Allele origin: germline.
Comment: This sequence change replaces arginine, which is basic and polar, with serine, which is neutral and polar, at codon 259 of the RAD51D protein (p.Arg259Ser). This variant is not present in population databases (gnomAD no frequency). This variant has not been reported in the literature in individuals affected with RAD51D-related conditions. Invitae Evidence Modeling of protein sequence and biophysical properties (such as structural, functional, and spatial information, amino acid conservation, physicochemical variation, residue mobility, and thermodynamic stability) indicates that this missense variant is not expected to disrupt RAD51D protein function with a negative predictive value of 80%. In summary, the available evidence is currently insufficient to determine the role of this variant in disease. Therefore, it has been classified as a Variant of Uncertain Significance.